The following is an entry in ClinVar:

ClinVar aggregate classification (germline): Likely benign. Review status: criteria provided, multiple submitters, no conflicts (2 of 4 stars). 3 submissions from 3 submitters: Likely benign (3). Last evaluated 2025-10-01.

gnomAD v4.1: 14 of 1,612,090 alleles (0.00087%); highest among the groups gnomAD compares: East Asian, 0.013%; no homozygotes.

Submissions (3):

CeGaT Center for Human Genetics Tuebingen
Classification: Likely benign. Last evaluated: 2025-10-01. Review status: criteria provided, single submitter. Criteria: CeGaT Center For Human Genetics Tuebingen Variant Classification Criteria Version 2. Collection method: clinical testing. Allele origin: germline. Affected: yes. Observed: 1 variant allele.
Comment: RCBTB1: BP4, BP7

Blueprint Genetics
Classification: Likely benign. Last evaluated: 2024-05-23. Review status: criteria provided, single submitter. Criteria: ACMG Guidelines, 2015. Collection method: clinical testing. Allele origin: germline.

Labcorp Genetics (formerly Invitae), Labcorp
Classification: Likely benign. Last evaluated: 2022-07-06. Review status: criteria provided, single submitter. Criteria: Invitae Variant Classification Sherloc (09022015). Collection method: clinical testing. Allele origin: germline.

NM_018191.4(RCBTB1):c.1017C>T (p.Pro339=)

Gene: RCBTB1 (RCC1 and BTB domain containing protein 1; minus strand). Cytogenetic location: 13q14.2.
Variant type: single nucleotide variant.
Coding change: c.1017C>T on transcript NM_018191.4 (MANE Select); coding-DNA position 1017, C replaced by T.
Protein change: p.Pro339=; no amino-acid change (proline 339 retained).
Molecular consequence: synonymous variant. On other transcripts: non-coding transcript variant (2).
Genome position (GRCh38, 1-based): chr13:49,549,486, G>A on the plus strand (C>T on the coding strand, the complement: RCBTB1 is on the minus strand). VCF-style: chr13-49549486-G-A. GRCh37 (hg19) VCF-style: chr13-50123622-G-A.
Other names: c.1017C>T, p.Pro339= (NM_001352500.2, NM_001352501.2, NM_001352502.2 and 3 more transcripts); c.438C>T, p.Pro146= (NM_001352506.2).
Identifiers: ClinVar variation 1105629 (VCV001105629.16), dbSNP rs3751384, ClinGen allele CA6982713.